The following is an entry in ClinVar:

ClinVar aggregate classification (germline): Likely benign (1 of 4 stars; one submission).

Submission:

CeGaT Center for Human Genetics Tuebingen
Classification: Likely benign. Last evaluated: 2025-07-01. Review status: criteria provided, single submitter. Criteria: CeGaT Center For Human Genetics Tuebingen Variant Classification Criteria Version 2. Collection method: clinical testing. Allele origin: germline. Affected: yes. Observed: 2 variant alleles.
Comment: PLIN4: BP4, BP7

NM_001367868.2(PLIN4):c.2175C>G (p.Val725=)

Gene: PLIN4 (perilipin 4; minus strand). Cytogenetic location: 19p13.3.
Variant type: single nucleotide variant.
Coding change: c.2175C>G on transcript NM_001367868.2 (MANE Select); coding-DNA position 2175, C replaced by G.
Protein change: p.Val725=; no amino-acid change (valine 725 retained).
Molecular consequence: synonymous variant.
Genome position (GRCh38, 1-based): chr19:4,511,785, G>C on the plus strand (C>G on the coding strand, the complement: PLIN4 is on the minus strand). VCF-style: chr19-4511785-G-C. GRCh37 (hg19) VCF-style: chr19-4511797-G-C.
Other names: c.2178C>G, p.Val726= (NM_001393888.1, NM_001393889.1); c.2175C>G, p.Val725= (NM_001393890.1, NM_001393891.1).
Identifiers: ClinVar variation 3388093 (VCV003388093.14).
Genomic context (GRCh38, chr19:4,511,785, plus strand): 5'-TTTGGCCACATTCGCAGCACCGGTCACCCCACTGCAGACGGTGTCCTTGGTACCAGTTAG[G>C]ACAGTCTTGGTGGTGTCCACACTGGTCTGGACAGTCCCTTTGGCGACATTCACTGCCCCC-3'
Protein context (NP_001354797.1, residues 715-735): VQTSVDTTKT[Val725=]LTGTKDTVCS